The following is an entry in ClinVar:

NM_000038.6(APC):c.31A>T (p.Lys11Ter)

Gene: APC (APC regulator of Wnt signaling pathway; plus strand). Cytogenetic location: 5q22.2.
Variant type: single nucleotide variant.
Coding change: c.31A>T on transcript NM_000038.6 (MANE Select); coding-DNA position 31, A replaced by T.
Protein change: p.Lys11Ter; replaces lysine 11 with a stop codon.
Molecular consequence: nonsense. On other transcripts: 5 prime UTR variant (1), intron variant (8).
Genome position (GRCh38, 1-based): chr5:112,754,921, A>T. VCF-style: chr5-112754921-A-T. GRCh37 (hg19) VCF-style: chr5-112090618-A-T.
Other names: c.31A>T, p.Lys11Ter (NM_001127510.3, NM_001354895.2, NM_001354896.2 and 16 more transcripts); c.-1005A>T (NM_001354906.2, NM_001407470.1, NM_001407471.1 and 1 more transcripts); c.166-11405A>T (NM_001354897.2, NM_001354902.2, NM_001127511.3); c.61-11405A>T (NM_001354898.2, NM_001354904.2); c.-42-11405A>T (NM_001354900.2, NM_001354901.2, NM_001354905.2); short protein forms K11*.
Identifiers: ClinVar variation 2102986 (VCV002102986.4), dbSNP rs2149737581, ClinGen allele CA16021405.

ClinVar aggregate classification (germline): Pathogenic (1 of 4 stars; one submission).

Conditions:
Familial adenomatous polyposis 1 (FAP1). Also called: FAMILIAL ADENOMATOUS POLYPOSIS 1, ATTENUATED; POLYPOSIS, ADENOMATOUS INTESTINAL. Identifiers: MedGen C2713442, MONDO:0021056, OMIM 175100. Disease mechanism: loss of function.

Submission:

Labcorp Genetics (formerly Invitae), Labcorp
Classification: Pathogenic for Familial adenomatous polyposis 1. Last evaluated: 2022-02-24. Review status: criteria provided, single submitter. Criteria: Invitae Variant Classification Sherloc (09022015). Collection method: clinical testing. Allele origin: germline.
Comment: For these reasons, this variant has been classified as Pathogenic. This variant has not been reported in the literature in individuals affected with APC-related conditions. This variant is not present in population databases (gnomAD no frequency). This sequence change creates a premature translational stop signal (p.Lys11*) in the APC gene. It is expected to result in an absent or disrupted protein product. Loss-of-function variants in APC are known to be pathogenic (PMID: 17963004, 20685668).

Literature cited by the submitters: PubMed 17963004; PubMed 20685668.